The following is an entry in ClinVar:

ClinVar aggregate classification (germline): Uncertain significance. Review status: criteria provided, multiple submitters, no conflicts (2 of 4 stars). 2 submissions from 2 submitters: Uncertain significance (2). Last evaluated 2024-02-06.

Conditions:
Hereditary cancer-predisposing syndrome. Also called: Tumor predisposition; Hereditary Cancer Syndrome; Hereditary neoplastic syndrome; Neoplastic Syndromes, Hereditary. Identifiers: Orphanet 140162, MedGen C0027672, MeSH D009386, MONDO:0015356.
Bloom syndrome (BLM). Also called: Bloom-Torre-Machacek syndrome. Identifiers: Orphanet 125, MedGen C0005859, MONDO:0008876, OMIM 210900.

Submissions (2):

Labcorp Genetics (formerly Invitae), Labcorp
Classification: Uncertain significance for Bloom syndrome. Last evaluated: 2024-02-06. Review status: criteria provided, single submitter. Criteria: Invitae Variant Classification Sherloc (09022015). Collection method: clinical testing. Allele origin: germline.
Comment: This sequence change replaces proline, which is neutral and non-polar, with histidine, which is basic and polar, at codon 465 of the BLM protein (p.Pro465His). This variant is not present in population databases (gnomAD no frequency). This variant has not been reported in the literature in individuals affected with BLM-related conditions. ClinVar contains an entry for this variant (Variation ID: 1480182). Advanced modeling of protein sequence and biophysical properties (such as structural, functional, and spatial information, amino acid conservation, physicochemical variation, residue mobility, and thermodynamic stability) performed at Invitae indicates that this missense variant is not expected to disrupt BLM protein function with a negative predictive value of 80%. In summary, the available evidence is currently insufficient to determine the role of this variant in disease. Therefore, it has been classified as a Variant of Uncertain Significance.

Ambry Genetics
Classification: Uncertain significance for Hereditary cancer-predisposing syndrome. Last evaluated: 2022-09-09. Review status: criteria provided, single submitter. Criteria: Ambry Variant Classification Scheme 2023. Collection method: clinical testing. Allele origin: germline.
Comment: The p.P465H variant (also known as c.1394C>A), located in coding exon 6 of the BLM gene, results from a C to A substitution at nucleotide position 1394. The proline at codon 465 is replaced by histidine, an amino acid with similar properties. This amino acid position is poorly conserved in available vertebrate species. In addition, this alteration is predicted to be tolerated by in silico analysis. Since supporting evidence is limited at this time, the clinical significance of this alteration remains unclear.

NM_000057.4(BLM):c.1394C>A (p.Pro465His)

Gene: BLM (BLM RecQ like helicase; plus strand). Cytogenetic location: 15q26.1.
Variant type: single nucleotide variant.
Coding change: c.1394C>A on transcript NM_000057.4 (MANE Select); coding-DNA position 1394, C replaced by A.
Protein change: p.Pro465His; replaces proline 465 with histidine.
Molecular consequence: missense variant.
Genome position (GRCh38, 1-based): chr15:90,760,767, C>A. VCF-style: chr15-90760767-C-A. GRCh37 (hg19) VCF-style: chr15-91303997-C-A.
Other names: c.1394C>A, p.Pro465His (NM_001287246.2, NM_001287247.2); c.269C>A, p.Pro90His (NM_001287248.2); short protein forms P465H, P90H.
Identifiers: ClinVar variation 1480182 (VCV001480182.8), dbSNP rs561545349, ClinGen allele CA393842967.